The following is an entry in ClinVar:

ClinVar aggregate classification (germline): Uncertain significance. Review status: criteria provided, multiple submitters, no conflicts (2 of 4 stars). 4 submissions from 4 submitters: Uncertain significance (4). Last evaluated 2025-05-01.

Conditions:
Hereditary cancer-predisposing syndrome. Also called: Tumor predisposition; Neoplastic Syndromes, Hereditary; Hereditary Cancer Syndrome; Hereditary neoplastic syndrome. Identifiers: Orphanet 140162, MedGen C0027672, MeSH D009386, MONDO:0015356.
Familial adenomatous polyposis 3. Also called: NTHL1-Related Adenomatous Polyposis and Colorectal Cancer; NTHL1-associated polyposis; NTHL1-related attenuated familial adenomatous polyposis; NTHL1 Tumor Syndrome. Identifiers: Orphanet 220460, Orphanet 454840, MedGen C4225157, MONDO:0014630, OMIM 616415.

Allele frequency attached by ClinVar (database versions not stated): ExAC 0.00001; gnomAD exomes 0.00001; TOPMed 0.00002.
gnomAD v4.1: 8 of 1,611,252 alleles (0.0005%); highest among the groups gnomAD compares: East Asian, 0.0067%; no homozygotes.

Submissions (4):

Ambry Genetics
Classification: Uncertain significance for Hereditary cancer-predisposing syndrome. Last evaluated: 2025-05-01. Review status: criteria provided, single submitter. Criteria: Ambry Variant Classification Scheme 2023. Collection method: clinical testing. Allele origin: germline.
Comment: The p.A150T variant (also known as c.448G>A), located in coding exon 3 of the NTHL1 gene, results from a G to A substitution at nucleotide position 448. The alanine at codon 150 is replaced by threonine, an amino acid with similar properties. This amino acid position is highly conserved in available vertebrate species. In addition, this alteration is predicted to be deleterious by in silico analysis. Since supporting evidence is limited at this time, the clinical significance of this alteration remains unclear.

Labcorp Genetics (formerly Invitae), Labcorp
Classification: Uncertain significance. Last evaluated: 2025-01-23. Review status: criteria provided, single submitter. Criteria: Invitae Variant Classification Sherloc (09022015). Collection method: clinical testing. Allele origin: germline.
Comment: This sequence change replaces alanine, which is neutral and non-polar, with threonine, which is neutral and polar, at codon 150 of the NTHL1 protein (p.Ala150Thr). The frequency data for this variant in the population databases is considered unreliable, as metrics indicate poor data quality at this position in the gnomAD database. This variant has not been reported in the literature in individuals affected with NTHL1-related conditions. ClinVar contains an entry for this variant (Variation ID: 664977). An algorithm developed to predict the effect of missense changes on protein structure and function (PolyPhen-2) suggests that this variant is likely to be disruptive. In summary, the available evidence is currently insufficient to determine the role of this variant in disease. Therefore, it has been classified as a Variant of Uncertain Significance.

Baylor Genetics
Classification: Uncertain significance for Familial adenomatous polyposis 3. Last evaluated: 2024-02-27. Review status: criteria provided, single submitter. Criteria: ACMG Guidelines, 2015. Collection method: clinical testing. Allele origin: unknown.

Quest Diagnostics Nichols Institute San Juan Capistrano
Classification: Uncertain significance. Last evaluated: 2023-10-16. Review status: criteria provided, single submitter. Criteria: Quest Diagnostics criteria. Collection method: clinical testing. Allele origin: unknown.
Comment: The NTHL1 c.448G>A (p.Ala150Thr) variant has not been reported individuals with NTHL1-related conditions in the published literature. The frequency of this variant in the general population, 0.00017 (3/18168 chromosomes (Genome Aggregation Database)), is uninformative in the assessment of its pathogenicity. Analysis of this variant using bioinformatics tools for the prediction of the effect of amino acid changes on protein structure and function yielded predictions that this variant is damaging. Based on the available information, we are unable to determine the clinical significance of this variant.

NM_002528.7(NTHL1):c.424G>A (p.Ala142Thr)

Gene: NTHL1 (nth like DNA glycosylase 1; minus strand). Cytogenetic location: 16p13.3.
Variant type: single nucleotide variant.
Coding change: c.424G>A on transcript NM_002528.7 (MANE Select); coding-DNA position 424, G replaced by A.
Protein change: p.Ala142Thr; replaces alanine 142 with threonine.
Molecular consequence: missense variant. On other transcripts: intron variant (1).
Genome position (GRCh38, 1-based): chr16:2,044,731, C>T on the plus strand (G>A on the coding strand, the complement: NTHL1 is on the minus strand). VCF-style: chr16-2044731-C-T. GRCh37 (hg19) VCF-style: chr16-2094732-C-T.
Other names: c.424G>A, p.Ala142Thr (LRG_1366t1); c.94G>A, p.Ala32Thr (NM_001318194.2); c.355-1005G>A (NM_001318193.2); short protein forms A142T, A32T.
Identifiers: ClinVar variation 664977 (VCV000664977.14), dbSNP rs764907191, ClinGen allele CA7828263.
Genomic context (GRCh38, chr16:2,044,731, plus strand): 5'-CATCATCTGTCTGCAGGATGCTGTCCACCGTCAGGCCCCGCGCCCGCAGTCGCTGCATGG[C>T]GCCCGCCGTCACCTGGTCTTTGGTTTGGCTGGAGAGCATCAGTGACAGCAGCACCTGGTA-3'
Protein context (NP_002519.2, residues 132-152): SQTKDQVTAG[Ala142Thr]MQRLRARGLT